The following is an entry in ClinVar:

NM_001378120.1(MBD5):c.1702C>G (p.Gln568Glu)

Gene: MBD5 (methyl-CpG binding domain protein 5; plus strand). Cytogenetic location: 2q23.1.
Variant type: single nucleotide variant.
Coding change: c.1702C>G on transcript NM_001378120.1 (MANE Select); coding-DNA position 1702, C replaced by G.
Protein change: p.Gln568Glu; replaces glutamine 568 with glutamic acid.
Molecular consequence: missense variant.
Genome position (GRCh38, 1-based): chr2:148,469,645, C>G. VCF-style: chr2-148469645-C-G. GRCh37 (hg19) VCF-style: chr2-149227214-C-G.
Other names: c.1702C>G, p.Gln568Glu (NM_018328.5); short protein forms Q568E.
Identifiers: ClinVar variation 1720022 (VCV001720022.7), dbSNP rs1680724486, ClinGen allele CA348720252.

ClinVar aggregate classification (germline): Uncertain significance. Review status: criteria provided, multiple submitters, no conflicts (2 of 4 stars). 2 submissions from 2 submitters: Uncertain significance (2). Last evaluated 2025-04-30.

Conditions:
Intellectual developmental disorder, autosomal dominant 1. Also called: Intellectual disability, autosomal dominant 1; MBD5 Haploinsufficiency. Identifiers: Orphanet 228402, MedGen C1969562, MONDO:0007974, OMIM 156200.

Allele frequency attached by ClinVar (database versions not stated): gnomAD exomes below 0.00001.
gnomAD v4.1: 1 of 1,613,972 alleles (0.000062%); highest among the groups gnomAD compares: Non-Finnish European, 0.000085%; no homozygotes.

Submissions (2):

Labcorp Genetics (formerly Invitae), Labcorp
Classification: Uncertain significance for Intellectual developmental disorder, autosomal dominant 1. Last evaluated: 2025-04-30. Review status: criteria provided, single submitter. Criteria: Invitae Variant Classification Sherloc (09022015). Collection method: clinical testing. Allele origin: germline.
Comment: This sequence change replaces glutamine, which is neutral and polar, with glutamic acid, which is acidic and polar, at codon 568 of the MBD5 protein (p.Gln568Glu). This variant is not present in population databases (gnomAD no frequency). This variant has not been reported in the literature in individuals affected with MBD5-related conditions. ClinVar contains an entry for this variant (Variation ID: 1720022). Invitae Evidence Modeling of protein sequence and biophysical properties (such as structural, functional, and spatial information, amino acid conservation, physicochemical variation, residue mobility, and thermodynamic stability) indicates that this missense variant is not expected to disrupt MBD5 protein function with a negative predictive value of 80%. In summary, the available evidence is currently insufficient to determine the role of this variant in disease. Therefore, it has been classified as a Variant of Uncertain Significance.

Blueprint Genetics
Classification: Uncertain significance. Last evaluated: 2020-08-17. Review status: criteria provided, single submitter. Criteria: ACMG Guidelines, 2015. Collection method: clinical testing. Allele origin: germline.